The following is an entry in ClinVar:

ClinVar aggregate classification (germline): Uncertain significance (1 of 4 stars; one submission).

Conditions:
CHARGE syndrome (CHARGE). Also called: Coloboma, heart anomaly, choanal atresia, retardation, genital and ear anomalies; CHARGE association; Hall-Hittner syndrome; Hittner Hirsch Kreh syndrome; CHARGE ASSOCIATION--COLOBOMA, HEART ANOMALY, CHOANAL ATRESIA, RETARDATION, GENITAL AND EAR ANOMALIES. Identifiers: Orphanet 138, MedGen C0265354, MONDO:0008965.

gnomAD v4.1: 1 of 1,606,644 alleles (0.000062%); no homozygotes.

Submission:

Labcorp Genetics (formerly Invitae), Labcorp
Classification: Uncertain significance for CHARGE syndrome. Last evaluated: 2025-07-08. Review status: criteria provided, single submitter. Criteria: Invitae Variant Classification Sherloc (09022015). Collection method: clinical testing. Allele origin: germline.
Comment: This sequence change replaces glycine, which is neutral and non-polar, with valine, which is neutral and non-polar, at codon 2370 of the CHD7 protein (p.Gly2370Val). This variant is not present in population databases (gnomAD no frequency). This variant has not been reported in the literature in individuals affected with CHD7-related conditions. ClinVar contains an entry for this variant (Variation ID: 1498020). Invitae Evidence Modeling of protein sequence and biophysical properties (such as structural, functional, and spatial information, amino acid conservation, physicochemical variation, residue mobility, and thermodynamic stability) indicates that this missense variant is not expected to disrupt CHD7 protein function with a negative predictive value of 95%. In summary, the available evidence is currently insufficient to determine the role of this variant in disease. Therefore, it has been classified as a Variant of Uncertain Significance.

NM_017780.4(CHD7):c.7109G>T (p.Gly2370Val)

Gene: CHD7 (chromodomain helicase DNA binding protein 7; plus strand). Cytogenetic location: 8q12.2.
Variant type: single nucleotide variant.
Coding change: c.7109G>T on transcript NM_017780.4 (MANE Select); coding-DNA position 7109, G replaced by T.
Protein change: p.Gly2370Val; replaces glycine 2370 with valine.
Molecular consequence: missense variant. On other transcripts: intron variant (1).
Genome position (GRCh38, 1-based): chr8:60,856,147, G>T. VCF-style: chr8-60856147-G-T. GRCh37 (hg19) VCF-style: chr8-61768706-G-T.
Other names: c.1717-6082G>T (NM_001316690.1); short protein forms G2370V.
Identifiers: ClinVar variation 1498020 (VCV001498020.6), dbSNP rs531223140, ClinGen allele CA371299086.